The following is an entry in ClinVar:

ClinVar aggregate classification (germline): Uncertain significance (1 of 4 stars; one submission).

Conditions:
Early Myoclonic Encephalopathy. Identifiers: MedGen C0270855.

Submission:

Labcorp Genetics (formerly Invitae), Labcorp
Classification: Uncertain significance for Early Myoclonic Encephalopathy. Last evaluated: 2025-01-24. Review status: criteria provided, single submitter. Criteria: Invitae Variant Classification Sherloc (09022015). Collection method: clinical testing. Allele origin: germline.
Comment: This sequence change replaces glutamic acid, which is acidic and polar, with lysine, which is basic and polar, at codon 1047 of the JMJD1C protein (p.Glu1047Lys). This variant is not present in population databases (gnomAD no frequency). This variant has not been reported in the literature in individuals affected with JMJD1C-related conditions. ClinVar contains an entry for this variant (Variation ID: 2110574). Invitae Evidence Modeling of protein sequence and biophysical properties (such as structural, functional, and spatial information, amino acid conservation, physicochemical variation, residue mobility, and thermodynamic stability) indicates that this missense variant is not expected to disrupt JMJD1C protein function with a negative predictive value of 80%. In summary, the available evidence is currently insufficient to determine the role of this variant in disease. Therefore, it has been classified as a Variant of Uncertain Significance.

NM_032776.3(JMJD1C):c.3139G>A (p.Glu1047Lys)

Gene: JMJD1C (jumonji domain containing 1C; minus strand). Cytogenetic location: 10q21.3.
Variant type: single nucleotide variant.
Coding change: c.3139G>A on transcript NM_032776.3 (MANE Select); coding-DNA position 3139, G replaced by A.
Protein change: p.Glu1047Lys; replaces glutamic acid 1047 with lysine.
Molecular consequence: missense variant. On other transcripts: non-coding transcript variant (1).
Genome position (GRCh38, 1-based): chr10:63,208,530, C>T on the plus strand (G>A on the coding strand, the complement: JMJD1C is on the minus strand). VCF-style: chr10-63208530-C-T. GRCh37 (hg19) VCF-style: chr10-64968290-C-T.
Other names: c.2593G>A, p.Glu865Lys (NM_001282948.2, NM_001318154.2); c.2275G>A, p.Glu759Lys (NM_001318153.2); c.3025G>A, p.Glu1009Lys (NM_001322252.2); c.2482G>A, p.Glu828Lys (NM_001322254.2, NM_001322258.2); short protein forms E1009K, E759K, E828K, E865K, E1047K.
Identifiers: ClinVar variation 2110574 (VCV002110574.4), dbSNP rs2492697963, ClinGen allele CA377042758.
Genomic context (GRCh38, chr10:63,208,530, plus strand): 5'-CTTGTTTGATGATATGGCTTTTAGGACTGGAAGATGATGATGCCACTCTGGAATAATTCT[C>T]TCTCTCACCCTCAAGTCCCTTGATTTTAGTTGTAAAGGGAGCAACATCAATACTTTCTTG-3'
Protein context (NP_116165.1, residues 1037-1057): TKIKGLEGER[Glu1047Lys]NYSRVASSSS